The following is an entry in ClinVar:

ClinVar aggregate classification (germline): Uncertain significance. Review status: criteria provided, multiple submitters, no conflicts (2 of 4 stars). 2 submissions from 2 submitters: Uncertain significance (2). Last evaluated 2024-05-24.

Conditions:
Hereditary cancer-predisposing syndrome. Also called: Tumor predisposition; Neoplastic Syndromes, Hereditary; Hereditary Cancer Syndrome; Hereditary neoplastic syndrome. Identifiers: Orphanet 140162, MedGen C0027672, MeSH D009386, MONDO:0015356.
Bloom syndrome (BLM). Also called: Bloom-Torre-Machacek syndrome. Identifiers: Orphanet 125, MedGen C0005859, MONDO:0008876, OMIM 210900.

Submissions (2):

Ambry Genetics
Classification: Uncertain significance for Hereditary cancer-predisposing syndrome. Last evaluated: 2024-05-24. Review status: criteria provided, single submitter. Criteria: Ambry Variant Classification Scheme 2023. Collection method: clinical testing. Allele origin: germline.
Comment: The p.H919D variant (also known as c.2755C>G), located in coding exon 13 of the BLM gene, results from a C to G substitution at nucleotide position 2755. The histidine at codon 919 is replaced by aspartic acid, an amino acid with similar properties. This amino acid position is conserved. In addition, this alteration is predicted to be deleterious by in silico analysis. Based on the available evidence, the clinical significance of this variant remains unclear.

Labcorp Genetics (formerly Invitae), Labcorp
Classification: Uncertain significance for Bloom syndrome. Last evaluated: 2023-02-09. Review status: criteria provided, single submitter. Criteria: Invitae Variant Classification Sherloc (09022015). Collection method: clinical testing. Allele origin: germline.
Comment: This sequence change replaces histidine, which is basic and polar, with aspartic acid, which is acidic and polar, at codon 919 of the BLM protein (p.His919Asp). This variant is not present in population databases (gnomAD no frequency). This variant has not been reported in the literature in individuals affected with BLM-related conditions. Advanced modeling of protein sequence and biophysical properties (such as structural, functional, and spatial information, amino acid conservation, physicochemical variation, residue mobility, and thermodynamic stability) performed at Invitae indicates that this missense variant is expected to disrupt BLM protein function. In summary, the available evidence is currently insufficient to determine the role of this variant in disease. Therefore, it has been classified as a Variant of Uncertain Significance.

NM_000057.4(BLM):c.2755C>G (p.His919Asp)

Gene: BLM (BLM RecQ like helicase; plus strand). Cytogenetic location: 15q26.1.
Variant type: single nucleotide variant.
Coding change: c.2755C>G on transcript NM_000057.4 (MANE Select); coding-DNA position 2755, C replaced by G.
Protein change: p.His919Asp; replaces histidine 919 with aspartic acid.
Molecular consequence: missense variant.
Genome position (GRCh38, 1-based): chr15:90,785,013, C>G. VCF-style: chr15-90785013-C-G. GRCh37 (hg19) VCF-style: chr15-91328243-C-G.
Other names: c.2755C>G, p.His919Asp (NM_001287246.2, NM_001287247.2); c.1630C>G, p.His544Asp (NM_001287248.2); short protein forms H544D, H919D.
Identifiers: ClinVar variation 2835881 (VCV002835881.4), dbSNP rs1284859576, ClinGen allele CA393846040.